The following is an entry in ClinVar:

ClinVar aggregate classification (germline): Uncertain significance (1 of 4 stars; one submission).

gnomAD v4.1: 1 of 1,614,022 alleles (0.000062%); highest among the groups gnomAD compares: Non-Finnish European, 0.000085%; no homozygotes.

Submission:

GeneDx
Classification: Uncertain significance. Last evaluated: 2025-06-30. Review status: criteria provided, single submitter. Criteria: GeneDx Variant Classification Process June 2021. Collection method: clinical testing. Allele origin: germline. Affected: yes.
Comment: In silico analysis supports that this missense variant has a deleterious effect on protein structure/function; Has not been previously published as pathogenic or benign to our knowledge

NM_001130823.3(DNMT1):c.2480C>T (p.Pro827Leu)

Gene: DNMT1 (DNA methyltransferase 1; minus strand). Cytogenetic location: 19p13.2.
Variant type: single nucleotide variant.
Coding change: c.2480C>T on transcript NM_001130823.3 (MANE Select); coding-DNA position 2480, C replaced by T.
Protein change: p.Pro827Leu; replaces proline 827 with leucine.
Molecular consequence: missense variant.
Genome position (GRCh38, 1-based): chr19:10,149,559, G>A on the plus strand (C>T on the coding strand, the complement: DNMT1 is on the minus strand). VCF-style: chr19-10149559-G-A. GRCh37 (hg19) VCF-style: chr19-10260235-G-A.
Other names: c.2432C>T, p.Pro811Leu (NM_001318730.2, NM_001379.4); c.2117C>T, p.Pro706Leu (NM_001318731.2); short protein forms P706L, P811L, P827L.
Identifiers: ClinVar variation 4680957 (VCV004680957.1).